The following continues an entry in ClinVar:

NM_000059.4(BRCA2):c.1813del (p.Ile605fs)

Gene: BRCA2. ClinVar aggregate classification (germline): Pathogenic. Pathogenic (1).

Submissions 25 to 36 of 36:

Clinical Genetics and Genomics, Karolinska University Hospital
Classification: Pathogenic. Last evaluated: 2020-01-23. Review status: criteria provided, single submitter. Criteria: ACMG Guidelines, 2015. Collection method: clinical testing. Allele origin: germline. Affected: yes. Observed: 1 variant allele. Not counted in ClinVar's aggregate classification.

Mendelics
Classification: Pathogenic for Hereditary breast and ovarian cancer syndrome. Last evaluated: 2018-07-02. Review status: criteria provided, single submitter. Criteria: Mendelics Assertion Criteria 2017. Collection method: clinical testing. Allele origin: unknown. Not counted in ClinVar's aggregate classification.

Laboratory for Molecular Medicine, Mass General Brigham Personalized Medicine
Classification: Pathogenic for Hereditary breast ovarian cancer syndrome. Last evaluated: 2018-05-08. Review status: criteria provided, single submitter. Criteria: ACMG Guidelines, 2015. Collection method: clinical testing. Allele origin: germline. Inheritance: Autosomal dominant inheritance. Not counted in ClinVar's aggregate classification.
Comment: The p.Ile605fs variant in BRCA2 has been reported in >25 individuals with BRCA2-associated cancers (Bergthorsson 2001, Spearman 2008, Sugano 2008, Borg 2010, Blay 2013, Castera 2014, Azzollini 2016, Hirasawa 2017, Breast Cancer Information Core (BIC) database), and segregated with disease in at least 3 individuals. It was also absent from large population studies. This variant is predicted to cause a frameshift, which alters the protein’s amino acid sequence beginning at position 605 and leads to a premature termination codon 9 amino acids downstream. This alteration is then predicted to lead to a truncated or absent protein. Heterozygous loss of function of the BRCA2 gene is an established disease mechanism in individuals with HBOC. In summary, this variant meets criteria to be classified as pathogenic for HBOC in an autosomal dominant manner based upon predicted impact to the protein. ACMG/AMP Criteria Applied: PVS1, PS4, PM2.

Department of Pathology and Molecular Medicine, Queen's University
Classification: Pathogenic for Hereditary breast ovarian cancer syndrome. Last evaluated: 2017-04-20. Review status: criteria provided, single submitter. Criteria: ACMG Guidelines, 2015. Collection method: clinical testing. Allele origin: germline. Study: The Canadian Open Genetics Repository (COGR). Not counted in ClinVar's aggregate classification.

Women's Health and Genetics/Laboratory Corporation of America, LabCorp
Classification: Pathogenic for Hereditary breast ovarian cancer syndrome. Last evaluated: 2016-10-13. Review status: criteria provided, single submitter. Criteria: LabCorp Variant Classification Summary - May 2015. Collection method: clinical testing. Allele origin: germline. Not counted in ClinVar's aggregate classification.
Comment: Variant summary: The BRCA2 c.1813delA (p.Ile605Tyrfs) variant results in a premature termination codon, predicted to cause a truncated or absent BRCA2 protein due to nonsense mediated decay, which are commonly known mechanisms for disease. Truncations downstream of this position have been classified as pathogenic by our laboratory (e.g. c.1813dupA (p.Ile605fs), c.1832C>A (p.Ser611X), and c.1842dupT (p.Asn615X)). The variant of interest was not found in the large, broad control population, ExAC (115908 chrs tested). Multiple publications have cited the variant in affected individuals, along with multiple reputable databases/clinical diagnostic laboratories have cited the variant as "pathogenic." Therefore, the variant of interest has been classified as Pathogenic.

Consortium of Investigators of Modifiers of BRCA1/2 (CIMBA), c/o University of Cambridge
Classification: Pathogenic for Breast-ovarian cancer, familial, susceptibility to, 2. Last evaluated: 2015-10-02. Review status: criteria provided, single submitter. Criteria: CIMBA Mutation Classification guidelines May 2016. Collection method: clinical testing. Allele origin: germline. Not counted in ClinVar's aggregate classification.

Laboratory for Genotyping Development, RIKEN
Classification: Pathogenic for Gastric cancer. Last evaluated: 2021-07-01. Review status: no assertion criteria provided. Collection method: research. Allele origin: germline. Not counted in ClinVar's aggregate classification.

Molecular Oncology, Hospital Universitario Central de Asturias (HUCA)
Classification: Pathogenic for Breast-ovarian cancer, familial, susceptibility to, 2. Last evaluated: 2021-05-24. Review status: no assertion criteria provided. Collection method: case-control. Allele origin: germline. Affected: yes. Not counted in ClinVar's aggregate classification.

Research Molecular Genetics Laboratory, Women's College Hospital, University of Toronto
Classification: Pathogenic for Hereditary breast ovarian cancer syndrome. Last evaluated: 2014-01-31. Review status: no assertion criteria provided. Collection method: research. Allele origin: germline. Affected: yes. Study: The Canadian Open Genetics Repository (COGR). Not counted in ClinVar's aggregate classification.

Sharing Clinical Reports Project (SCRP)
Classification: Pathogenic for Breast-ovarian cancer, familial 2. Last evaluated: 2012-10-22. Review status: no assertion criteria provided. Collection method: clinical testing. Allele origin: germline. Not counted in ClinVar's aggregate classification.

Breast Cancer Information Core (BIC) (BRCA2)
Classification: Pathogenic for Breast-ovarian cancer, familial 2. Last evaluated: 2002-05-29. Review status: no assertion criteria provided. Collection method: clinical testing. Allele origin: germline, unknown. Affected: yes. Observed: 16 variant alleles. Not counted in ClinVar's aggregate classification.

Department of Pathology and Laboratory Medicine, Sinai Health System
Classification: Pathogenic. Review status: no assertion criteria provided. Collection method: clinical testing. Allele origin: unknown. Affected: yes. Observed: 1 variant allele. Study: The Canadian Open Genetics Repository (COGR). Not counted in ClinVar's aggregate classification.
Comment: The BRCA2 p.Ile605Tyrfs*9 variant was identified in 53 of 76928 proband chromosomes (frequency: 0.0007) from individuals or families with breast or ovarian cancer and was present in 2 of 22482 control chromosomes (frequency: 0.00009) from healthy individuals (Bergthorsson 2001, Li 2008, Sugano 2008, Castera 2014, de Juan 2015, Momozawa 2018, Rebbeck 2018). The variant was also identified in dbSNP (ID: rs80359307) as "With Pathogenic allele", ClinVar (classified as pathogenic by Invitae, Ambry Genetics and eleven other submitters), LOVD 3.0 (18X as pathogenic), and UMD-LSDB (5x as causal). The variant was not identified in the following control databases: the Exome Aggregation Consortium (August 8th 2016), or the Genome Aggregation Database (Feb 27, 2017). The c.1813del variant is predicted to cause a frameshift, which alters the protein's amino acid sequence beginning at codon 605 and leads to a premature stop codon at position 613. This alteration is then predicted to result in a truncated or absent protein and loss of function. Loss of function variants of the BRCA2 gene are an established mechanism of disease in breast or ovarian cancer and is the type of variant expected to cause the disorder. In summary, based on the above information this variant meets our laboratoryâ€šÃ„Ã´s criteria to be classified as pathogenic.

Literature cited by the submitters: PubMed 20104584 (cited by 7 submitters); PubMed 11389159 (cited by 7 submitters); PubMed 18824701 (cited by 4 submitters); PubMed 19016756 (cited by 6 submitters); PubMed 23035815 (cited by 5 submitters); PubMed 23704984 (cited by 3 submitters); PubMed 24549055 (cited by 5 submitters); PubMed 12203997 (cited by 4 submitters); PubMed 16912212 (cited by Color Diagnostics, LLC DBA Color Health and All of Us Research Program, National Institutes of Health); PubMed 17851763 (cited by 4 submitters); PubMed 26026974 (cited by 3 submitters); PubMed 27153395 (cited by Color Diagnostics, LLC DBA Color Health and All of Us Research Program, National Institutes of Health); PubMed 28294317 (cited by Color Diagnostics, LLC DBA Color Health and All of Us Research Program, National Institutes of Health); PubMed 29348823 (cited by 6 submitters); PubMed 30287823 (cited by 3 submitters); PubMed 31214711 (cited by Color Diagnostics, LLC DBA Color Health and All of Us Research Program, National Institutes of Health); PubMed 31853058 (cited by Color Diagnostics, LLC DBA Color Health); PubMed 32438681 (cited by Color Diagnostics, LLC DBA Color Health and All of Us Research Program, National Institutes of Health); PubMed 12442265 (cited by Ambry Genetics); PubMed 15131399 (cited by Ambry Genetics); PubMed 21318380 (cited by Ambry Genetics); PubMed 27062684 (cited by 3 submitters); PubMed 29176636 (cited by Ambry Genetics); PubMed 29360161 (cited by Ambry Genetics); PubMed 30702160 (cited by Ambry Genetics); PubMed 31454914 (cited by Ambry Genetics); PubMed 32338768 (cited by Ambry Genetics); PubMed 32365798 (cited by Ambry Genetics); PubMed 26295337 (cited by Quest Diagnostics Nichols Institute San Juan Capistrano); PubMed 11802209 (cited by Sema4 and Women's Health and Genetics/Laboratory Corporation of America, LabCorp); PubMed 29446198 (cited by Sema4); PubMed 23683081 (cited by Laboratory for Molecular Medicine, Mass General Brigham Personalized Medicine); PubMed 36988593 (cited by Laboratory for Genotyping Development, RIKEN); PubMed 38922859 (cited by Molecular Oncology, Hospital Universitario Central de Asturias (HUCA)).